The following is an entry in ClinVar:

NM_005993.5(TBCD):c.1563+1G>A

Gene: TBCD (tubulin folding cofactor D). Cytogenetic location: 17q25.3.
Variant type: single nucleotide variant.
Coding change: c.1563+1G>A on transcript NM_005993.5 (MANE Select); the canonical splice donor site of the intron after coding-DNA position 1563, G replaced by A.
Molecular consequence: splice donor variant.
Genome position (GRCh38, 1-based): chr17:82,889,698, G>A. VCF-style: chr17-82889698-G-A. GRCh37 (hg19) VCF-style: chr17-80847574-G-A.
Other names: c.1563+1G>A (NM_001411102.1); c.1512+1G>A (NM_001411101.1).
Identifiers: ClinVar variation 3639454 (VCV003639454.2).

ClinVar aggregate classification (germline): Likely pathogenic (1 of 4 stars; one submission).

gnomAD v4.1: 1 of 1,613,404 alleles (0.000062%); highest among the groups gnomAD compares: Non-Finnish European, 0.000085%; no homozygotes.

Submission:

Labcorp Genetics (formerly Invitae), Labcorp
Classification: Likely pathogenic. Last evaluated: 2024-02-07. Review status: criteria provided, single submitter. Criteria: Invitae Variant Classification Sherloc (09022015). Collection method: clinical testing. Allele origin: germline.
Comment: This sequence change affects a donor splice site in intron 16 of the TBCD gene. It is expected to disrupt RNA splicing. Variants that disrupt the donor or acceptor splice site typically lead to a loss of protein function (PMID: 16199547), and loss-of-function variants in TBCD are known to be pathogenic (PMID: 27666370, 27666374). This variant is not present in population databases (gnomAD no frequency). This variant has not been reported in the literature in individuals affected with TBCD-related conditions. Algorithms developed to predict the effect of sequence changes on RNA splicing suggest that this variant may disrupt the consensus splice site. In summary, the currently available evidence indicates that the variant is pathogenic, but additional data are needed to prove that conclusively. Therefore, this variant has been classified as Likely Pathogenic.

Literature cited by the submitters: PubMed 16199547; PubMed 27666370; PubMed 27666374.